The following is an entry in ClinVar:

ClinVar aggregate classification (germline): Pathogenic (1 of 4 stars; one submission).

Conditions:
Duchenne muscular dystrophy (DMD). Also called: Duchenne Muscular Dystrophy (DMD); MUSCULAR DYSTROPHY, PSEUDOHYPERTROPHIC PROGRESSIVE, DUCHENNE TYPE. Identifiers: Orphanet 98896, MedGen C0013264, MONDO:0010679, OMIM 310200.

Submission:

Labcorp Genetics (formerly Invitae), Labcorp
Classification: Pathogenic for Duchenne muscular dystrophy. Last evaluated: 2017-10-24. Review status: criteria provided, single submitter. Criteria: Invitae Variant Classification Sherloc (09022015). Collection method: clinical testing. Allele origin: germline.
Comment: This sequence change creates a premature translational stop signal (p.Gln1501*) in the DMD gene. It is expected to result in an absent or disrupted protein product. This variant is not present in population databases (ExAC no frequency). This variant has not been reported in the literature in individuals with DMD-related disease. Loss-of-function variants in DMD are known to be pathogenic (PMID: 16770791, 25007885). For these reasons, this variant has been classified as Pathogenic.

NM_004006.3(DMD):c.4501C>T (p.Gln1501Ter)

Gene: DMD (dystrophin; minus strand). Cytogenetic location: Xp21.1.
Variant type: single nucleotide variant.
Coding change: c.4501C>T on transcript NM_004006.3 (MANE Select); coding-DNA position 4501, C replaced by T.
Protein change: p.Gln1501Ter; replaces glutamine 1501 with a stop codon.
Molecular consequence: nonsense.
Genome position (GRCh38, 1-based): chrX:32,389,518, G>A on the plus strand (C>T on the coding strand, the complement: DMD is on the minus strand). VCF-style: chrX-32389518-G-A. GRCh37 (hg19) VCF-style: chrX-32407635-G-A.
Other names: c.4477C>T, p.Gln1493Ter (NM_000109.4); c.4489C>T, p.Gln1497Ter (NM_004009.3); c.4132C>T, p.Gln1378Ter (NM_004010.3); c.478C>T, p.Gln160Ter (NM_004011.4); c.469C>T, p.Gln157Ter (NM_004012.4); short protein forms Q1501*, Q1493*, Q157*, Q160*, Q1378*, Q1497*.
Identifiers: ClinVar variation 526064 (VCV000526064.2), dbSNP rs1557322201, ClinGen allele CA412662973.